The following is an entry in ClinVar:

ClinVar aggregate classification (germline): Uncertain significance (1 of 4 stars; one submission).

Conditions:
Hereditary cancer-predisposing syndrome. Also called: Neoplastic Syndromes, Hereditary; Tumor predisposition; Hereditary Cancer Syndrome; Hereditary neoplastic syndrome. Identifiers: Orphanet 140162, MedGen C0027672, MeSH D009386, MONDO:0015356.

Submission:

Ambry Genetics
Classification: Uncertain significance for Hereditary cancer-predisposing syndrome. Last evaluated: 2020-08-25. Review status: criteria provided, single submitter. Criteria: Ambry Variant Classification Scheme 2023. Collection method: clinical testing. Allele origin: germline.
Comment: The p.N619T variant (also known as c.1856A>C), located in coding exon 11 of the ATM gene, results from an A to C substitution at nucleotide position 1856. The asparagine at codon 619 is replaced by threonine, an amino acid with similar properties. This amino acid position is well conserved in available vertebrate species. In addition, this alteration is predicted to be tolerated by in silico analysis. Since supporting evidence is limited at this time, the clinical significance of this alteration remains unclear.

NM_000051.4(ATM):c.1856A>C (p.Asn619Thr)

Gene: ATM (ATM serine/threonine kinase; plus strand). Cytogenetic location: 11q22.3.
Variant type: single nucleotide variant.
Coding change: c.1856A>C on transcript NM_000051.4 (MANE Select); coding-DNA position 1856, A replaced by C.
Protein change: p.Asn619Thr; replaces asparagine 619 with threonine.
Molecular consequence: missense variant.
Genome position (GRCh38, 1-based): chr11:108,252,870, A>C. VCF-style: chr11-108252870-A-C. GRCh37 (hg19) VCF-style: chr11-108123597-A-C.
Other names: c.1856A>C, p.Asn619Thr (NM_001351834.2); short protein forms N619T.
Identifiers: ClinVar variation 1781403 (VCV001781403.2), dbSNP rs1591531036, ClinGen allele CA382535894.